The following is an entry in ClinVar:

NM_021942.6(TRAPPC11):c.2710A>G (p.Arg904Gly)

Gene: TRAPPC11 (trafficking protein particle complex subunit 11; plus strand). Cytogenetic location: 4q35.1.
Variant type: single nucleotide variant.
Coding change: c.2710A>G on transcript NM_021942.6 (MANE Select); coding-DNA position 2710, A replaced by G.
Protein change: p.Arg904Gly; replaces arginine 904 with glycine.
Molecular consequence: missense variant.
Genome position (GRCh38, 1-based): chr4:183,697,694, A>G. VCF-style: chr4-183697694-A-G. GRCh37 (hg19) VCF-style: chr4-184618847-A-G.
Other names: c.2710A>G, p.Arg904Gly (NM_199053.3); short protein forms R904G.
Identifiers: ClinVar variation 959583 (VCV000959583.7), dbSNP rs770747782, ClinGen allele CA3152301.

ClinVar aggregate classification (germline): Uncertain significance (1 of 4 stars; one submission).

Conditions:
Autosomal recessive limb-girdle muscular dystrophy type R18 (LGMDR18). Also called: Autosomal recessive limb-girdle muscular dystrophy type 2S; Limb-girdle muscular dystrophy, type 2S; MUSCULAR DYSTROPHY, LIMB-GIRDLE, AUTOSOMAL RECESSIVE 18. Identifiers: Orphanet 369840, MedGen C4517996, MONDO:0014144, OMIM 615356.

Allele frequency attached by ClinVar (database versions not stated): TOPMed below 0.00001; gnomAD 0.00001; gnomAD exomes 0.00003 and 0.00006; ExAC 0.00007.
gnomAD v4.1: 42 of 1,613,966 alleles (0.0026%); highest among the groups gnomAD compares: South Asian, 0.044%; no homozygotes.

Submission:

Labcorp Genetics (formerly Invitae), Labcorp
Classification: Uncertain significance for Autosomal recessive limb-girdle muscular dystrophy type R18. Last evaluated: 2021-09-01. Review status: criteria provided, single submitter. Criteria: Invitae Variant Classification Sherloc (09022015). Collection method: clinical testing. Allele origin: germline.
Comment: This sequence change replaces arginine with glycine at codon 904 of the TRAPPC11 protein (p.Arg904Gly). The arginine residue is moderately conserved and there is a moderate physicochemical difference between arginine and glycine. This variant is present in population databases (rs770747782, ExAC 0.05%). This variant has not been reported in the literature in individuals affected with TRAPPC11-related conditions. Algorithms developed to predict the effect of missense changes on protein structure and function are either unavailable or do not agree on the potential impact of this missense change (SIFT: "Tolerated"; PolyPhen-2: "Possibly Damaging"; Align-GVGD: "Class C0"). In summary, the available evidence is currently insufficient to determine the role of this variant in disease. Therefore, it has been classified as a Variant of Uncertain Significance.